The following is an entry in ClinVar:

NM_007294.4(BRCA1):c.686C>T (p.Ser229Phe)

Gene: BRCA1 (BRCA1 DNA repair associated; minus strand). Cytogenetic location: 17q21.31.
Variant type: single nucleotide variant.
Coding change: c.686C>T on transcript NM_007294.4 (MANE Select); coding-DNA position 686, C replaced by T.
Protein change: p.Ser229Phe; replaces serine 229 with phenylalanine.
Molecular consequence: missense variant. On other transcripts: non-coding transcript variant (1).
Genome position (GRCh38, 1-based): chr17:43,094,845, G>A on the plus strand (C>T on the coding strand, the complement: BRCA1 is on the minus strand). VCF-style: chr17-43094845-G-A. GRCh37 (hg19) VCF-style: chr17-41246862-G-A.
Other names: c.686C>T, p.Ser229Phe (NM_001407982.1, NM_001407983.1, NM_001407581.1 and 54 more transcripts); c.683C>T, p.Ser228Phe (NM_001407986.1, NM_001407587.1, NM_001407991.1 and 38 more transcripts); c.473C>T, p.Ser158Phe (NM_001407571.1, NM_001407918.1, NM_001407853.1 and 12 more transcripts); c.563C>T, p.Ser188Phe (NM_001407919.1, NM_001407648.1, NM_001407664.1 and 34 more transcripts); c.422C>T, p.Ser141Phe (NM_001407920.1, NM_001407921.1, NM_001407922.1 and 15 more transcripts); c.677C>T, p.Ser226Phe (NM_001407646.1, NM_001407647.1, NM_001408408.1); c.560C>T, p.Ser187Phe (NM_001407649.1, NM_001407670.1, NM_001407671.1 and 20 more transcripts); c.608C>T, p.Ser203Phe (NM_001407653.1, NM_001407654.1, NM_001407655.1 and 9 more transcripts); and 14 more; short protein forms S182F, S229F, S184F, S203F, S226F, S101F, S117F, S161F.
Identifiers: ClinVar variation 826675 (VCV000826675.9), dbSNP rs1597880556, ClinGen allele CA10600714.

ClinVar aggregate classification (germline): Conflicting classifications of pathogenicity. Review status: criteria provided, conflicting classifications (1 of 4 stars). 3 submissions from 3 submitters: Uncertain significance (2); Likely benign (1). Last evaluated 2025-07-27.

Conditions:
Hereditary cancer-predisposing syndrome. Also called: Neoplastic Syndromes, Hereditary; Tumor predisposition; Hereditary neoplastic syndrome; Hereditary Cancer Syndrome. Identifiers: Orphanet 140162, MedGen C0027672, MeSH D009386, MONDO:0015356.
Hereditary breast ovarian cancer syndrome. Also called: Hereditary breast and ovarian cancer syndrome; Hereditary breast and ovarian cancer; Hereditary breast and ovarian cancer syndrome (HBOC); Breast and ovarian cancer; Hereditary breast and/or ovarian cancer syndrome; BRCA1- and BRCA2-Associated Hereditary Breast and Ovarian Cancer. Identifiers: Orphanet 145, MedGen C0677776, MeSH D061325, MONDO:0003582. Disease mechanism: loss of function.

Submissions (3):

Labcorp Genetics (formerly Invitae), Labcorp
Classification: Uncertain significance for Hereditary breast ovarian cancer syndrome. Last evaluated: 2025-07-27. Review status: criteria provided, single submitter. Criteria: Invitae Variant Classification Sherloc (09022015). Collection method: clinical testing. Allele origin: germline.
Comment: This sequence change replaces serine, which is neutral and polar, with phenylalanine, which is neutral and non-polar, at codon 229 of the BRCA1 protein (p.Ser229Phe). This variant is not present in population databases (gnomAD no frequency). This variant has not been reported in the literature in individuals affected with BRCA1-related conditions. ClinVar contains an entry for this variant (Variation ID: 826675). Invitae Evidence Modeling of protein sequence and biophysical properties (such as structural, functional, and spatial information, amino acid conservation, physicochemical variation, residue mobility, and thermodynamic stability) indicates that this missense variant is expected to disrupt BRCA1 protein function with a positive predictive value of 80%. In summary, the available evidence is currently insufficient to determine the role of this variant in disease. Therefore, it has been classified as a Variant of Uncertain Significance.

University of Washington Department of Laboratory Medicine, University of Washington
Classification: Likely benign for Hereditary cancer-predisposing syndrome. Last evaluated: 2023-03-23. Review status: criteria provided, single submitter. Criteria: Dines et al. (Genet Med. 2020). Collection method: curation. Allele origin: germline.
Comment: Missense variant in a coldspot region where missense variants are very unlikely to be pathogenic (PMID:31911673).

BRCA1 coldspot (exon 11 using historical exon numbering). Reclassification based on statistical prior probability

Ambry Genetics
Classification: Uncertain significance for Hereditary cancer-predisposing syndrome. Last evaluated: 2018-01-03. Review status: criteria provided, single submitter. Criteria: Ambry Variant Classification Scheme 2023. Collection method: clinical testing. Allele origin: germline.
Comment: The p.S229F variant (also known as c.686C>T), located in coding exon 9 of the BRCA1 gene, results from a C to T substitution at nucleotide position 686. The serine at codon 229 is replaced by phenylalanine, an amino acid with highly dissimilar properties. This amino acid position is highly conserved in available vertebrate species. In addition, this alteration is predicted to be deleterious by in silico analysis. Since supporting evidence is limited at this time, the clinical significance of this alteration remains unclear.